The following is an entry in ClinVar:

NM_001079802.2(FKTN):c.207T>C (p.Asn69=)

Gene: FKTN (fukutin; plus strand). Cytogenetic location: 9q31.2.
Variant type: single nucleotide variant.
Coding change: c.207T>C on transcript NM_001079802.2 (MANE Select); coding-DNA position 207, T replaced by C.
Protein change: p.Asn69=; no amino-acid change (asparagine 69 retained).
Molecular consequence: synonymous variant. On other transcripts: 5 prime UTR variant (4), non-coding transcript variant (2).
Genome position (GRCh38, 1-based): chr9:105,601,186, T>C. VCF-style: chr9-105601186-T-C. GRCh37 (hg19) VCF-style: chr9-108363467-T-C.
Other names: p.Asn69=; c.207T>C, p.Asn69= (NM_001198963.2, NM_001351496.2, NM_001351498.2 and 1 more transcripts); c.138T>C, p.Asn46= (NM_001351497.2); c.-308T>C (NM_001351499.2, NM_001351500.2, NM_001351501.2 and 1 more transcripts).
Identifiers: ClinVar variation 701478 (VCV000701478.37), dbSNP rs752921570, ClinGen allele CA5170357.
Genomic context (GRCh38, chr9:105,601,186, plus strand): 5'-TTCTTTTTCTCTCAAACAGCGTGCAGTTAAAAAATTTATTATGTTAACATCCAACCAAAA[T>C]GTACCAGTGTTTCTTATTGATCCTTTGATACTGGAATTGATTAATAAGAACTTTGAACAA-3'
Protein context (NP_001073270.1, residues 59-79): KKFIMLTSNQ[Asn69=]VPVFLIDPLI

ClinVar aggregate classification (germline): Conflicting classifications of pathogenicity. Review status: criteria provided, conflicting classifications (1 of 4 stars). 10 submissions from 9 submitters: Uncertain significance (2); Likely benign (5). 3 of the submissions do not count toward it. Last evaluated 2025-12-08.

Conditions:
Muscular dystrophy-dystroglycanopathy (congenital with brain and eye anomalies), type A, 4 (MDDGA4). Also called: WALKER-WARBURG SYNDROME OR MUSCLE-EYE-BRAIN DISEASE, FKTN-RELATED; Fukuyama congenital muscular dystrophy; Walker-Warburg Syndrome, Fktn-Related; Muscular dystrophy, congenital progressive, with mental retardation; Muscular dystrophy, congenital, with central nervous system involvement; Cerebromuscular dystrophy, Fukuyama type. Identifiers: Orphanet 272, Orphanet 588, Orphanet 899, MedGen C0410174, MONDO:0009678, OMIM 253800.
Cardiovascular phenotype. Identifiers: MedGen CN230736.
Walker-Warburg congenital muscular dystrophy. Also called: Muscular dystrophy-dystroglycanopathy, type A; Walker-Warburg syndrome. Identifiers: Orphanet 899, MedGen C0265221, MONDO:0000171.
Dilated cardiomyopathy 1X (CMD1X). Also called: FKTN-Related Dilated Cardiomyopathy; CARDIOMYOPATHY, DILATED, WITH MILD OR NO PROXIMAL MUSCLE WEAKNESS. Identifiers: Orphanet 154, MedGen C1969024, MONDO:0012704, OMIM 611615.

Allele frequency attached by ClinVar (database versions not stated): ExAC 0.00001; gnomAD exomes 0.00002 and 0.00003; TOPMed 0.00003; gnomAD 0.00004.
gnomAD v4.1: 45 of 1,611,148 alleles (0.0028%); highest among the groups gnomAD compares: Non-Finnish European, 0.0038%; no homozygotes.

Submissions (10):

Labcorp Genetics (formerly Invitae), Labcorp
Classification: Likely benign for Walker-Warburg congenital muscular dystrophy. Last evaluated: 2025-12-08. Review status: criteria provided, single submitter. Criteria: Invitae Variant Classification Sherloc (09022015). Collection method: clinical testing. Allele origin: germline.

Mayo Clinic Laboratories, Mayo Clinic
Classification: Likely benign. Last evaluated: 2025-07-02. Review status: criteria provided, single submitter. Criteria: ACMG Guidelines, 2015. Collection method: clinical testing. Allele origin: germline. Observed: 1 variant allele.
Comment: BP4, BP7

Ambry Genetics
Classification: Likely benign for Cardiovascular phenotype. Last evaluated: 2023-07-20. Review status: criteria provided, single submitter. Criteria: Ambry Variant Classification Scheme 2023. Collection method: clinical testing. Allele origin: germline.

GeneDx
Classification: Likely benign. Last evaluated: 2018-12-18. Review status: criteria provided, single submitter. Criteria: GeneDx Variant Classification Process June 2021. Collection method: clinical testing. Allele origin: germline. Affected: yes.

Illumina Laboratory Services, Illumina
Classification: Uncertain significance for Muscular dystrophy-dystroglycanopathy (congenital with brain and eye anomalies), type A, 4. Last evaluated: 2018-01-13. Review status: criteria provided, single submitter. Criteria: ICSL Variant Classification Criteria 13 December 2019. Collection method: clinical testing. Allele origin: germline.

Illumina Laboratory Services, Illumina
Classification: Uncertain significance for Dilated cardiomyopathy 1X. Last evaluated: 2018-01-13. Review status: criteria provided, single submitter. Criteria: ICSL Variant Classification Criteria 13 December 2019. Collection method: clinical testing. Allele origin: germline.

Genetic Services Laboratory, University of Chicago
Classification: Likely benign. Last evaluated: 2017-09-14. Review status: criteria provided, single submitter. Criteria: ACMG Guidelines, 2015. Collection method: clinical testing. Allele origin: germline. Affected: no.

Natera, Inc.
Classification: Likely benign for Walker-Warburg congenital muscular dystrophy. Last evaluated: 2020-10-07. Review status: no assertion criteria provided. Collection method: clinical testing. Allele origin: germline. Not counted in ClinVar's aggregate classification.

Clinical Genetics DNA and cytogenetics Diagnostics Lab, Erasmus MC, Erasmus Medical Center
Classification: Likely benign. Review status: no assertion criteria provided. Collection method: clinical testing. Allele origin: germline. Affected: yes. Study: VKGL Data-share Consensus. Not counted in ClinVar's aggregate classification.

Genome Diagnostics Laboratory, University Medical Center Utrecht
Classification: Likely benign. Review status: no assertion criteria provided. Collection method: clinical testing. Allele origin: germline. Affected: yes. Study: VKGL Data-share Consensus. Not counted in ClinVar's aggregate classification.